The following is an entry in ClinVar:

NM_024741.3(ZNF408):c.449G>A (p.Ser150Asn)

Gene: ZNF408 (zinc finger protein 408; plus strand). Cytogenetic location: 11p11.2.
Variant type: single nucleotide variant.
Coding change: c.449G>A on transcript NM_024741.3 (MANE Select); coding-DNA position 449, G replaced by A.
Protein change: p.Ser150Asn; replaces serine 150 with asparagine.
Molecular consequence: missense variant.
Genome position (GRCh38, 1-based): chr11:46,703,040, G>A. VCF-style: chr11-46703040-G-A. GRCh37 (hg19) VCF-style: chr11-46724590-G-A.
Other names: c.425G>A, p.Ser142Asn (NM_001184751.2); short protein forms S142N, S150N.
Identifiers: ClinVar variation 1009305 (VCV001009305.10), dbSNP rs375018759, ClinGen allele CA221631401.

ClinVar aggregate classification (germline): Uncertain significance (1 of 4 stars; one submission).

Allele frequency attached by ClinVar (database versions not stated): gnomAD exomes below 0.00001; TOPMed below 0.00001; gnomAD 0.00001; ESP Exome Variant Server 0.00008.
gnomAD v4.1: 3 of 1,613,922 alleles (0.00019%); highest among the groups gnomAD compares: Non-Finnish European, 0.00025%; no homozygotes.

Submission:

Labcorp Genetics (formerly Invitae), Labcorp
Classification: Uncertain significance. Last evaluated: 2022-08-09. Review status: criteria provided, single submitter. Criteria: Invitae Variant Classification Sherloc (09022015). Collection method: clinical testing. Allele origin: germline.
Comment: In summary, the available evidence is currently insufficient to determine the role of this variant in disease. Therefore, it has been classified as a Variant of Uncertain Significance. Algorithms developed to predict the effect of missense changes on protein structure and function output the following: SIFT: "Tolerated"; PolyPhen-2: "Benign"; Align-GVGD: "Class C0". The asparagine amino acid residue is found in multiple mammalian species, which suggests that this missense change does not adversely affect protein function. ClinVar contains an entry for this variant (Variation ID: 1009305). This variant has not been reported in the literature in individuals affected with ZNF408-related conditions. This variant is not present in population databases (gnomAD no frequency). This sequence change replaces serine, which is neutral and polar, with asparagine, which is neutral and polar, at codon 150 of the ZNF408 protein (p.Ser150Asn).